The following is an entry in ClinVar:

ClinVar aggregate classification (germline): Uncertain significance. Review status: criteria provided, multiple submitters, no conflicts (2 of 4 stars). 2 submissions from 2 submitters: Uncertain significance (2). Last evaluated 2025-12-10.

Conditions:
Aortic valve disease 2 (AOVD2). Identifiers: MedGen C3542024, MONDO:0013902, OMIM 614823.
Inborn genetic diseases. Identifiers: MedGen C0950123, MeSH D030342.

Submissions (2):

Labcorp Genetics (formerly Invitae), Labcorp
Classification: Uncertain significance for Aortic valve disease 2. Last evaluated: 2025-12-10. Review status: criteria provided, single submitter. Criteria: Invitae Variant Classification Sherloc (09022015). Collection method: clinical testing. Allele origin: germline.
Comment: This sequence change replaces glycine, which is neutral and non-polar, with arginine, which is basic and polar, at codon 156 of the SMAD6 protein (p.Gly156Arg). This variant is not present in population databases (gnomAD no frequency). This variant has not been reported in the literature in individuals affected with SMAD6-related conditions. ClinVar contains an entry for this variant (Variation ID: 3958362). Invitae Evidence Modeling of protein sequence and biophysical properties (such as structural, functional, and spatial information, amino acid conservation, physicochemical variation, residue mobility, and thermodynamic stability) indicates that this missense variant is not expected to disrupt SMAD6 protein function with a negative predictive value of 80%. In summary, the available evidence is currently insufficient to determine the role of this variant in disease. Therefore, it has been classified as a Variant of Uncertain Significance.

Ambry Genetics
Classification: Uncertain significance for Inborn genetic diseases. Last evaluated: 2025-05-06. Review status: criteria provided, single submitter. Criteria: Ambry Variant Classification Scheme 2023. Collection method: clinical testing. Allele origin: germline.
Comment: The p.G156R variant (also known as c.466G>A), located in coding exon 1 of the SMAD6 gene, results from a G to A substitution at nucleotide position 466. The glycine at codon 156 is replaced by arginine, an amino acid with dissimilar properties. This amino acid position is conserved. In addition, the in silico prediction for this alteration is inconclusive. Based on the available evidence, the clinical significance of this variant remains unclear.

NM_005585.5(SMAD6):c.466G>A (p.Gly156Arg)

Gene: SMAD6 (SMAD family member 6; plus strand). Cytogenetic location: 15q22.31.
Variant type: single nucleotide variant.
Coding change: c.466G>A on transcript NM_005585.5 (MANE Select); coding-DNA position 466, G replaced by A.
Protein change: p.Gly156Arg; replaces glycine 156 with arginine.
Molecular consequence: missense variant. On other transcripts: non-coding transcript variant (1).
Genome position (GRCh38, 1-based): chr15:66,703,724, G>A. VCF-style: chr15-66703724-G-A. GRCh37 (hg19) VCF-style: chr15-66996062-G-A.
Other names: short protein forms G156R.
Identifiers: ClinVar variation 3958362 (VCV003958362.2).